The following is an entry in ClinVar:

ClinVar aggregate classification (germline): Likely benign. Review status: criteria provided, multiple submitters, no conflicts (2 of 4 stars). 2 submissions from 2 submitters: Likely benign (2). Last evaluated 2025-08-04.

Conditions:
Developmental and epileptic encephalopathy, 31A. Also called: Epileptic encephalopathy, early infantile, 31; Developmental and epileptic encephalopathy, 31. Identifiers: Orphanet 2382, MedGen C4225357, MONDO:0014598, OMIM 616346.

Allele frequency attached by ClinVar (database versions not stated): TOPMed below 0.00001; gnomAD 0.00001.

Submissions (2):

Labcorp Genetics (formerly Invitae), Labcorp
Classification: Likely benign for Developmental and epileptic encephalopathy, 31A. Last evaluated: 2025-08-04. Review status: criteria provided, single submitter. Criteria: Invitae Variant Classification Sherloc (09022015). Collection method: clinical testing. Allele origin: germline.

Women's Health and Genetics/Laboratory Corporation of America, LabCorp
Classification: Likely benign. Last evaluated: 2024-06-12. Review status: criteria provided, single submitter. Criteria: LabCorp Variant Classification Summary - May 2015. Collection method: clinical testing. Allele origin: germline.
Comment: Variant summary: DNM1 c.1493+17G>A alters a non-conserved nucleotide located at a position not widely known to affect splicing. Consensus agreement among computation tools predict no significant impact on normal splicing. However, these predictions have yet to be confirmed by functional studies. The variant allele was found at a frequency of 4e-06 in 250814 control chromosomes. The available data on variant occurrences in the general population are insufficient to allow any conclusion about variant significance. To our knowledge, no occurrence of c.1493+17G>A in individuals affected with Developmental And Epileptic Encephalopathy, 31 and no experimental evidence demonstrating its impact on protein function have been reported. ClinVar contains an entry for this variant (Variation ID: 1938898). Based on the evidence outlined above, the variant was classified as likely benign.

NM_004408.4(DNM1):c.1493+17G>A

Gene: DNM1 (dynamin 1; plus strand). Cytogenetic location: 9q34.11.
Variant type: single nucleotide variant.
Coding change: c.1493+17G>A on transcript NM_004408.4 (MANE Select); 17 bases into the intron after coding-DNA position 1493, G replaced by A.
Molecular consequence: intron variant.
Genome position (GRCh38, 1-based): chr9:128,239,532, G>A. VCF-style: chr9-128239532-G-A. GRCh37 (hg19) VCF-style: chr9-131001811-G-A.
Other names: c.1493+17G>A (NM_001005336.3, NM_001374269.1, NM_001288738.2 and 2 more transcripts).
Identifiers: ClinVar variation 1938898 (VCV001938898.6), dbSNP rs1460645668, ClinGen allele CA590620347.